The following is an entry in ClinVar:

ClinVar aggregate classification (germline): Uncertain significance. Review status: criteria provided, multiple submitters, no conflicts (2 of 4 stars). 2 submissions from 2 submitters: Uncertain significance (2). Last evaluated 2024-04-20.

Conditions:
Colorectal cancer, hereditary nonpolyposis, type 7. Identifiers: Orphanet 144, MedGen C1858380, MONDO:0013725, OMIM 614385.

Allele frequency attached by ClinVar (database versions not stated): gnomAD 0.00001; gnomAD exomes 0.00001.
gnomAD v4.1: 5 of 1,614,116 alleles (0.00031%); highest among the groups gnomAD compares: East Asian, 0.011%; no homozygotes.

Submissions (2):

Ambry Genetics
Classification: Uncertain significance. Last evaluated: 2024-04-20. Review status: criteria provided, single submitter. Criteria: Ambry Variant Classification Scheme 2023. Collection method: clinical testing. Allele origin: germline.

Labcorp Genetics (formerly Invitae), Labcorp
Classification: Uncertain significance for Colorectal cancer, hereditary nonpolyposis, type 7. Last evaluated: 2022-11-30. Review status: criteria provided, single submitter. Criteria: Invitae Variant Classification Sherloc (09022015). Collection method: clinical testing. Allele origin: germline.
Comment: In summary, the available evidence is currently insufficient to determine the role of this variant in disease. Therefore, it has been classified as a Variant of Uncertain Significance. Algorithms developed to predict the effect of missense changes on protein structure and function (SIFT, PolyPhen-2, Align-GVGD) all suggest that this variant is likely to be tolerated. This variant has not been reported in the literature in individuals affected with MLH3-related conditions. This variant is not present in population databases (gnomAD no frequency). This sequence change replaces valine, which is neutral and non-polar, with isoleucine, which is neutral and non-polar, at codon 1050 of the MLH3 protein (p.Val1050Ile).

NM_001040108.2(MLH3):c.3148G>A (p.Val1050Ile)

Gene: MLH3 (mutL homolog 3; minus strand). Cytogenetic location: 14q24.3.
Variant type: single nucleotide variant.
Coding change: c.3148G>A on transcript NM_001040108.2 (MANE Select); coding-DNA position 3148, G replaced by A.
Protein change: p.Val1050Ile; replaces valine 1050 with isoleucine.
Molecular consequence: missense variant.
Genome position (GRCh38, 1-based): chr14:75,046,508, C>T on the plus strand (G>A on the coding strand, the complement: MLH3 is on the minus strand). VCF-style: chr14-75046508-C-T. GRCh37 (hg19) VCF-style: chr14-75513211-C-T.
Other names: c.3148G>A, p.Val1050Ile (NM_014381.3); short protein forms V1050I.
Identifiers: ClinVar variation 1728145 (VCV001728145.6), dbSNP rs1595082862, ClinGen allele CA390435764.
Genomic context (GRCh38, chr14:75,046,508, plus strand): 5'-GGGCAATGAATGTGCTGAGTCCAGTCATTTTGTTGACATAAACCATTCTTCCCAGGGCTA[C>T]ATCGAAATGCCGCTGCCAATCTGAACAACACGTGTTTGACTCTTCAGTTTCAGAACAAGC-3'
Protein context (NP_001035197.1, residues 1040-1060): CCSDWQRHFD[Val1050Ile]ALGRMVYVNK